The following is an entry in ClinVar:

NM_013266.4(CTNNA3):c.802C>G (p.Pro268Ala)

Gene: CTNNA3 (catenin alpha 3; minus strand). Cytogenetic location: 10q21.3.
Variant type: single nucleotide variant.
Coding change: c.802C>G on transcript NM_013266.4 (MANE Select); coding-DNA position 802, C replaced by G.
Protein change: p.Pro268Ala; replaces proline 268 with alanine.
Molecular consequence: missense variant.
Genome position (GRCh38, 1-based): chr10:67,219,648, G>C on the plus strand (C>G on the coding strand, the complement: CTNNA3 is on the minus strand). VCF-style: chr10-67219648-G-C. GRCh37 (hg19) VCF-style: chr10-68979406-G-C.
Other names: c.802C>G, p.Pro268Ala (NM_001127384.3); c.838C>G, p.Pro280Ala (NM_001291133.2); short protein forms P280A, P268A.
Identifiers: ClinVar variation 2561997 (VCV002561997.2), dbSNP rs2548039478, ClinGen allele CA377097223.
Genomic context (GRCh38, chr10:67,219,648, plus strand): 5'-TATCTTTCTCCCGACTTACCTCCAGCTCATCAAGGGCACTTCCCAGGGTTGCTGCCTGAG[G>C]TTCTGGTGGGGTTGTCATATTCTGGATCCCTTGTGAAGCATTTGAAATTACATTGAGAGC-3'
Protein context (NP_037398.2, residues 258-278): GIQNMTTPPE[Pro268Ala]QAATLGSALD

ClinVar aggregate classification (germline): Uncertain significance (1 of 4 stars; one submission).

Submission:

Ambry Genetics
Classification: Uncertain significance. Last evaluated: 2023-05-05. Review status: criteria provided, single submitter. Criteria: Ambry Variant Classification Scheme 2023. Collection method: clinical testing. Allele origin: germline.
Comment: The p.P268A variant (also known as c.802C>G), located in coding exon 5 of the CTNNA3 gene, results from a C to G substitution at nucleotide position 802. The proline at codon 268 is replaced by alanine, an amino acid with highly similar properties. This amino acid position is conserved. In addition, this alteration is predicted to be tolerated by in silico analysis. Since supporting evidence is limited at this time, the clinical significance of this alteration remains unclear.